The following is an entry in ClinVar:

ClinVar aggregate classification (germline): Uncertain significance. Review status: criteria provided, multiple submitters, no conflicts (2 of 4 stars). 4 submissions from 4 submitters: Uncertain significance (4). Last evaluated 2025-11-26.

Conditions:
Inborn genetic diseases. Identifiers: MedGen C0950123, MeSH D030342.
Joubert syndrome. Also called: Familial aplasia of the vermis; JOUBERT-BOLTSHAUSER SYNDROME. Identifiers: Orphanet 475, MedGen C5979921, MONDO:0018772.
Meckel-Gruber syndrome. Also called: Dysencephalia splachnocystica; DYSENCEPHALIA SPLANCHNOCYSTICA; GRUBER SYNDROME. Identifiers: Orphanet 564, MedGen C0265215, MONDO:0018921.

Allele frequency attached by ClinVar (database versions not stated): gnomAD exomes below 0.00001 and 0.00001; ExAC 0.00001.
gnomAD v4.1: 6 of 1,611,740 alleles (0.00037%); highest among the groups gnomAD compares: South Asian, 0.0011%; no homozygotes.

Submissions (4):

Ambry Genetics
Classification: Uncertain significance for Inborn genetic diseases. Last evaluated: 2025-11-26. Review status: criteria provided, single submitter. Criteria: Ambry Variant Classification Scheme 2023. Collection method: clinical testing. Allele origin: germline.

Labcorp Genetics (formerly Invitae), Labcorp
Classification: Uncertain significance for Joubert syndrome; Meckel-Gruber syndrome. Last evaluated: 2022-07-05. Review status: criteria provided, single submitter. Criteria: Invitae Variant Classification Sherloc (09022015). Collection method: clinical testing. Allele origin: germline.
Comment: This sequence change replaces arginine, which is basic and polar, with glutamine, which is neutral and polar, at codon 132 of the CC2D2A protein (p.Arg132Gln). The frequency data for this variant in the population databases is considered unreliable, as metrics indicate poor data quality at this position in the gnomAD database. This variant has not been reported in the literature in individuals affected with CC2D2A-related conditions. ClinVar contains an entry for this variant (Variation ID: 288806). Advanced modeling of protein sequence and biophysical properties (such as structural, functional, and spatial information, amino acid conservation, physicochemical variation, residue mobility, and thermodynamic stability) performed at Invitae indicates that this missense variant is not expected to disrupt CC2D2A protein function. In summary, the available evidence is currently insufficient to determine the role of this variant in disease. Therefore, it has been classified as a Variant of Uncertain Significance.

Revvity Omics, Revvity
Classification: Uncertain significance. Last evaluated: 2021-09-15. Review status: criteria provided, single submitter. Criteria: ACMG Guidelines, 2015. Collection method: clinical testing. Allele origin: germline.

Eurofins Ntd Llc (ga)
Classification: Uncertain significance. Last evaluated: 2016-06-14. Review status: criteria provided, single submitter. Criteria: EGL Classification Definitions 2015. Collection method: clinical testing. Allele origin: germline. Observed: 1 variant allele, 1 heterozygote.

NM_001378615.1(CC2D2A):c.395G>A (p.Arg132Gln)

Genes: CC2D2A (coiled-coil and C2 domain containing 2A; plus strand), FBXL5 (F-box and leucine rich repeat protein 5; minus strand). Cytogenetic location: 4p15.32.
Variant type: single nucleotide variant.
Coding change: c.395G>A on transcript NM_001378615.1 (MANE Select); coding-DNA position 395, G replaced by A.
Protein change: p.Arg132Gln; replaces arginine 132 with glutamine.
Molecular consequence: missense variant.
Genome position (GRCh38, 1-based): chr4:15,502,880, G>A. VCF-style: chr4-15502880-G-A. GRCh37 (hg19) VCF-style: chr4-15504503-G-A.
Other names: c.395G>A, p.Arg132Gln (NM_001080522.2); c.248G>A, p.Arg83Gln (NM_001378617.1); short protein forms R132Q, R83Q.
Identifiers: ClinVar variation 288806 (VCV000288806.15), dbSNP rs772016081, ClinGen allele CA2863398.